The following is an entry in ClinVar:

NM_000883.4(IMPDH1):c.1031G>A (p.Arg344His)

Gene: IMPDH1 (inosine monophosphate dehydrogenase 1; minus strand). Cytogenetic location: 7q32.1.
Variant type: single nucleotide variant.
Coding change: c.1031G>A on transcript NM_000883.4 (MANE Select); coding-DNA position 1031, G replaced by A.
Protein change: p.Arg344His; replaces arginine 344 with histidine.
Molecular consequence: missense variant.
Genome position (GRCh38, 1-based): chr7:128,398,457, C>T on the plus strand (G>A on the coding strand, the complement: IMPDH1 is on the minus strand). VCF-style: chr7-128398457-C-T. GRCh37 (hg19) VCF-style: chr7-128038511-C-T.
Other names: c.1001G>A, p.Arg334His (NM_001102605.2); c.776G>A, p.Arg259His (NM_001142573.2); c.761G>A, p.Arg254His (NM_001142574.2); c.701G>A, p.Arg234His (NM_001142575.2); c.932G>A, p.Arg311His (NM_001142576.2); c.824G>A, p.Arg275His (NM_001304521.2); c.923G>A, p.Arg308His (NM_183243.3); short protein forms R234H, R259H, R334H, R254H, R308H, R344H, R275H, R311H.
Identifiers: ClinVar variation 1421043 (VCV001421043.9), dbSNP rs1238910577, ClinGen allele CA369168218.
Genomic context (GRCh38, chr7:128,398,457, plus strand): 5'-TCAGGCGGGGGCCTTACCAAGACTATGACGTCGACGCCCGCCTGGGTGAGCAGGTCCAGA[C>T]GGTATTTGTCATCCTCACGGGTGCCCACAGCTGCCCCACAGAGCAGCTGCTTCTGGGAAT-3'
Protein context (NP_000874.2, residues 334-354): AVGTREDDKY[Arg344His]LDLLTQAGVD

ClinVar aggregate classification (germline): Conflicting classifications of pathogenicity. Review status: criteria provided, conflicting classifications (1 of 4 stars). 2 submissions from 2 submitters: Uncertain significance (1); Benign (1). Last evaluated 2024-01-22.

Conditions:
Retinal dystrophy. Also called: Inherited retinal dystrophy. Identifiers: Orphanet 71862, MedGen C0854723, MeSH D058499, MONDO:0019118, HP:0000556.

Allele frequency attached by ClinVar (database versions not stated): TOPMed below 0.00001; gnomAD 0.00001; gnomAD exomes 0.00001.
gnomAD v4.1: 17 of 1,613,514 alleles (0.0011%); highest among the groups gnomAD compares: East Asian, 0.029%; no homozygotes.

Submissions (2):

Labcorp Genetics (formerly Invitae), Labcorp
Classification: Uncertain significance. Last evaluated: 2024-01-22. Review status: criteria provided, single submitter. Criteria: Invitae Variant Classification Sherloc (09022015). Collection method: clinical testing. Allele origin: germline.
Comment: This sequence change replaces arginine, which is basic and polar, with histidine, which is basic and polar, at codon 344 of the IMPDH1 protein (p.Arg344His). This variant is present in population databases (no rsID available, gnomAD 0.01%). This missense change has been observed in individual(s) with retinitis pigmentosa (PMID: 18310263). This variant is also known as R308H. ClinVar contains an entry for this variant (Variation ID: 1421043). An algorithm developed to predict the effect of missense changes on protein structure and function (PolyPhen-2) suggests that this variant is likely to be tolerated. In summary, the available evidence is currently insufficient to determine the role of this variant in disease. Therefore, it has been classified as a Variant of Uncertain Significance.

Dept Of Ophthalmology, Nagoya University
Classification: Benign for Retinal dystrophy. Last evaluated: 2023-10-01. Review status: criteria provided, single submitter. Criteria: Submitter's publication. Collection method: research. Allele origin: germline. Affected: yes.

Literature cited by the submitters: PubMed 18310263 (cited by Labcorp Genetics (formerly Invitae), Labcorp).